The following is an entry in ClinVar:

ClinVar aggregate classification (germline): Likely pathogenic (1 of 4 stars; one submission).

Conditions:
3M syndrome 1. Also called: 3-M Syndrome, CUL7-Related. Identifiers: Orphanet 2616, MedGen C2678312, MONDO:0010117, OMIM 273750.

Submission:

Neuberg Centre For Genomic Medicine, NCGM
Classification: Likely pathogenic for 3M syndrome 1. Last evaluated: 2023-05-20. Review status: criteria provided, single submitter. Criteria: ACMG Guidelines, 2015. Collection method: clinical testing. Allele origin: germline. Inheritance: Autosomal recessive inheritance. Affected: yes.
Comment: The observed stop gained variant c.1972C>T(p.Gln658Ter) in CUL7 gene has not been reported previously as a pathogenic variantnor as a benign variant, to our knowledge. The c.1972C>T variant is absent in gnomAD Exomes. Computational evidence(MutationTaster - Disease causing) predicts damaging effect on protein structure and function for this variant. This variant ispredicted to cause loss of normal protein function through protein truncation. Loss of function variants have been previouslyreported to be disease causing (Huber C, et al., 2009). For these reasons, this variant has been classified as Likely Pathogenic.

NM_014780.5(CUL7):c.1972C>T (p.Gln658Ter)

Gene: CUL7 (cullin 7; minus strand). Cytogenetic location: 6p21.1.
Variant type: single nucleotide variant.
Coding change: c.1972C>T on transcript NM_014780.5 (MANE Select); coding-DNA position 1972, C replaced by T.
Protein change: p.Gln658Ter; replaces glutamine 658 with a stop codon.
Molecular consequence: nonsense.
Genome position (GRCh38, 1-based): chr6:43,048,423, G>A on the plus strand (C>T on the coding strand, the complement: CUL7 is on the minus strand). VCF-style: chr6-43048423-G-A. GRCh37 (hg19) VCF-style: chr6-43016161-G-A.
Other names: c.2068C>T, p.Gln690Ter (NM_001168370.2, NM_001374872.1); c.1972C>T, p.Gln658Ter (NM_001374873.1, NM_001374874.1); short protein forms Q658*, Q690*.
Identifiers: ClinVar variation 3341321 (VCV003341321.1).